The following is an entry in ClinVar:

ClinVar aggregate classification (germline): Uncertain significance (1 of 4 stars; one submission).

Conditions:
Primary immunodeficiency with post-measles-mumps-rubella vaccine viral infection. Also called: Immunodeficiency 44. Identifiers: Orphanet 431166, MedGen C4225260, MONDO:0014715, OMIM 616636.

Submission:

Labcorp Genetics (formerly Invitae), Labcorp
Classification: Uncertain significance for Primary immunodeficiency with post-measles-mumps-rubella vaccine viral infection. Last evaluated: 2025-01-06. Review status: criteria provided, single submitter. Criteria: Invitae Variant Classification Sherloc (09022015). Collection method: clinical testing. Allele origin: germline.
Comment: This sequence change falls in intron 9 of the STAT2 gene. It does not directly change the encoded amino acid sequence of the STAT2 protein. It affects a nucleotide within the consensus splice site. This variant is not present in population databases (gnomAD no frequency). This variant has not been reported in the literature in individuals affected with STAT2-related conditions. ClinVar contains an entry for this variant (Variation ID: 2995334). Variants that disrupt the consensus splice site are a relatively common cause of aberrant splicing (PMID: 17576681, 9536098). Algorithms developed to predict the effect of sequence changes on RNA splicing suggest that this variant is not likely to affect RNA splicing. In summary, the available evidence is currently insufficient to determine the role of this variant in disease. Therefore, it has been classified as a Variant of Uncertain Significance.

Literature cited by the submitters: PubMed 17576681; PubMed 9536098.

NM_005419.4(STAT2):c.941+3C>A

Gene: STAT2 (signal transducer and activator of transcription 2; minus strand). Cytogenetic location: 12q13.3.
Variant type: single nucleotide variant.
Coding change: c.941+3C>A on transcript NM_005419.4 (MANE Select); 3 bases into the intron after coding-DNA position 941, C replaced by A.
Molecular consequence: intron variant.
Genome position (GRCh38, 1-based): chr12:56,351,289, G>T on the plus strand (C>A on the coding strand, the complement: STAT2 is on the minus strand). VCF-style: chr12-56351289-G-T. GRCh37 (hg19) VCF-style: chr12-56745073-G-T.
Other names: c.929+3C>A (NM_001385110.1, NM_001385115.1, NM_198332.2); c.941+3C>A (NM_001385114.1, NM_001385111.1, NM_001385113.1).
Identifiers: ClinVar variation 2995334 (VCV002995334.3), dbSNP rs2547256794, ClinGen allele CA2740092394.